The following is an entry in ClinVar:

ClinVar aggregate classification (germline): Uncertain significance (1 of 4 stars; one submission).

Conditions:
Arrhythmogenic cardiomyopathy with wooly hair and keratoderma. Also called: Carvajal syndrome; PALMOPLANTAR KERATODERMA WITH LEFT VENTRICULAR CARDIOMYOPATHY AND WOOLLY HAIR; Dilated cardiomyopathy with woolly hair and keratoderma; Arrhythmogenic cardiomyopathy with woolly hair and keratoderma. Identifiers: Orphanet 65282, MedGen C1854063, MONDO:0011581, OMIM 605676.

gnomAD v4.1: 1 of 1,614,136 alleles (0.000062%); highest among the groups gnomAD compares: Non-Finnish European, 0.000085%; no homozygotes.

Submission:

All of Us Research Program, National Institutes of Health
Classification: Uncertain significance for Arrhythmogenic cardiomyopathy with wooly hair and keratoderma. Last evaluated: 2024-04-16. Review status: criteria provided, single submitter. Criteria: ACMG Guidelines, 2015. Collection method: clinical testing. Allele origin: germline. Inheritance: Autosomal dominant inheritance. Observed: 1 variant allele, 1 heterozygote.
Comment: This missense variant replaces glycine with alanine at codon 2345 of the DSP protein. Computational prediction is inconclusive regarding the impact of this variant on protein structure and function (internally defined REVEL score threshold 0.5 < inconclusive < 0.7, PMID: 27666373). To our knowledge, functional studies have not been reported for this variant. This variant has not been reported in individuals affected with DSP-related disorders in the literature. This variant has not been identified in the general population by the Genome Aggregation Database (gnomAD). The available evidence is insufficient to determine the role of this variant in disease conclusively. Therefore, this variant is classified as a Variant of Uncertain Significance.

This study involves interpretation of variants in research participants for the purpose of population health screening. Participant phenotype was not available at the time of variant classification. Additional details can be found in publication PMID: 35346344, PMCID: PMC8962531

NM_004415.4(DSP):c.7034G>C (p.Gly2345Ala)

Gene: DSP (desmoplakin; plus strand). Cytogenetic location: 6p24.3.
Variant type: single nucleotide variant.
Coding change: c.7034G>C on transcript NM_004415.4 (MANE Select); coding-DNA position 7034, G replaced by C.
Protein change: p.Gly2345Ala; replaces glycine 2345 with alanine.
Molecular consequence: missense variant.
Genome position (GRCh38, 1-based): chr6:7,584,296, G>C. VCF-style: chr6-7584296-G-C. GRCh37 (hg19) VCF-style: chr6-7584529-G-C.
Other names: c.5237G>C, p.Gly1746Ala (NM_001008844.3); c.5705G>C, p.Gly1902Ala (NM_001319034.2); short protein forms G1746A, G1902A, G2345A.
Identifiers: ClinVar variation 3386712 (VCV003386712.1).
Genomic context (GRCh38, chr6:7,584,296, plus strand): 5'-TCAAAGAGAAGCTCCTGTCTGCAGAACGAGCTGTCACTGGGTATAATGATCCTGAAACAG[G>C]AAACATCATCTCTTTGTTCCAAGCCATGAATAAGGAACTCATCGAAAAGGGCCACGGTAT-3'
Protein context (NP_004406.2, residues 2335-2355): AVTGYNDPET[Gly2345Ala]NIISLFQAMN